The following is an entry in ClinVar:

NM_006231.4(POLE):c.330+3G>A

Gene: POLE (DNA polymerase epsilon, catalytic subunit; minus strand). Cytogenetic location: 12q24.33.
Variant type: single nucleotide variant.
Coding change: c.330+3G>A on transcript NM_006231.4 (MANE Select); 3 bases into the intron after coding-DNA position 330, G replaced by A.
Molecular consequence: intron variant.
Genome position (GRCh38, 1-based): chr12:132,680,175, C>T on the plus strand (G>A on the coding strand, the complement: POLE is on the minus strand). VCF-style: chr12-132680175-C-T. GRCh37 (hg19) VCF-style: chr12-133256761-C-T.
Other names: p.?.
Identifiers: ClinVar variation 240463 (VCV000240463.26), dbSNP rs369152225, ClinGen allele CA6894361.
Genomic context (GRCh38, chr12:132,680,175, plus strand): 5'-TTGCAAAGCCCACCACAGAATGACACACAGGTCGTCTGACCTGAGTCTATGAAACACACT[C>T]ACCTTTCTGGTCGCAATGTAGAAATACGGTTTATAGGGCAAAGCCACCTGTTAAGAGTCA-3'

ClinVar aggregate classification (germline): Conflicting classifications of pathogenicity. Review status: criteria provided, conflicting classifications (1 of 4 stars). 10 submissions from 10 submitters: Uncertain significance (4); Benign (1); Likely benign (4). 1 of the submissions does not count toward it. Last evaluated 2026-08-20.

Conditions:
Inherited polyposis and early onset colorectal cancer - germline testing.
POLE-related polyposis and colorectal cancer syndrome. Identifiers: MedGen CN324030, MONDO:0100287.
POLE-related disorder. Also called: POLE-related condition; POLE-related disorders.
Hereditary cancer-predisposing syndrome. Also called: Tumor predisposition; Neoplastic Syndromes, Hereditary; Hereditary Cancer Syndrome; Hereditary neoplastic syndrome. Identifiers: Orphanet 140162, MedGen C0027672, MeSH D009386, MONDO:0015356.

Allele frequency attached by ClinVar (database versions not stated): gnomAD 0.00004 and 0.00003; ESP Exome Variant Server 0.00008; ExAC 0.00003; TOPMed 0.00005.
gnomAD v4.1: 62 of 1,613,944 alleles (0.0038%); highest among the groups gnomAD compares: African/African-American, 0.0053%; no homozygotes.

Submissions (10):

Ambry Genetics
Classification: Likely benign for Hereditary cancer-predisposing syndrome. Last evaluated: 2026-08-20. Review status: criteria provided, single submitter. Criteria: Ambry Variant Classification Scheme 2023. Collection method: clinical testing. Allele origin: germline.

Cambridge Genomics Laboratory, East Genomic Laboratory Hub, NHS Genomic Medicine Service
Classification: Uncertain significance for Inherited polyposis and early onset colorectal cancer - germline testing. Last evaluated: 2026-06-26. Review status: criteria provided, single submitter. Criteria: ACGS Best Practice Guidelines for Variant Classification in Rare Disease 2020. Collection method: clinical testing. Allele origin: germline. Affected: yes.
Comment: BP4

Labcorp Genetics (formerly Invitae), Labcorp
Classification: Likely benign. Last evaluated: 2026-01-06. Review status: criteria provided, single submitter. Criteria: Invitae Variant Classification Sherloc (09022015). Collection method: clinical testing. Allele origin: germline.

Center for Genomic Medicine, Rigshospitalet, Copenhagen University Hospital
Classification: Likely benign. Last evaluated: 2025-03-04. Review status: criteria provided, single submitter. Criteria: ACMG Guidelines, 2015. Collection method: clinical testing. Allele origin: germline.

Mayo Clinic Laboratories, Mayo Clinic
Classification: Uncertain significance. Last evaluated: 2025-02-13. Review status: criteria provided, single submitter. Criteria: ACMG Guidelines, 2015. Collection method: clinical testing. Allele origin: germline. Observed: 2 variant alleles.
Comment: the same text as in the submission from Cambridge Genomics Laboratory, East Genomic Laboratory Hub, NHS Genomic Medicine Service above.

Women's Health and Genetics/Laboratory Corporation of America, LabCorp
Classification: Benign. Last evaluated: 2024-01-13. Review status: criteria provided, single submitter. Criteria: LabCorp Variant Classification Summary - May 2015. Collection method: clinical testing. Allele origin: germline.

Department of Pathology and Laboratory Medicine, Sinai Health System
Classification: Uncertain significance for POLE-related polyposis and colorectal cancer syndrome. Last evaluated: 2023-05-11. Review status: criteria provided, single submitter. Criteria: ACMG Guidelines, 2015. Collection method: clinical testing. Allele origin: germline. Affected: no.

Sema4
Classification: Uncertain significance for Hereditary cancer-predisposing syndrome. Last evaluated: 2021-04-30. Review status: criteria provided, single submitter. Criteria: Sema4 Curation Guidelines. Collection method: curation. Allele origin: germline.
Comment: The POLE c.330+3G>A variant has not been reported in the literature to our knowledge. It was observed in 10/129186 chromosomes of the European (non-Finnish) subpopulation, with no homozygotes, in the large and broad cohorts of the Genome Aggregation Database (PMID: 32461654). The variant has been reported in ClinVar (Variation ID: 240463). In silico tools suggest the variant may impact splicing, though these predictions have not been confirmed by functional studies. The evidence is insufficient to meet ACMG/AMP criteria for classifying the variant as benign or pathogenic. Thus, the clinical significance of this variant is currently uncertain.

GeneDx
Classification: Likely benign. Last evaluated: 2017-03-22. Review status: criteria provided, single submitter. Criteria: GeneDx Variant Classification (06012015). Collection method: clinical testing. Allele origin: germline. Affected: yes.
Comment: This variant is considered likely benign or benign based on one or more of the following criteria: it is a conservative change, it occurs at a poorly conserved position in the protein, it is predicted to be benign by multiple in silico algorithms, and/or has population frequency not consistent with disease.

PreventionGenetics, part of Exact Sciences
Classification: Likely benign for POLE-related condition. Last evaluated: 2020-01-31. Review status: no assertion criteria provided. Collection method: clinical testing. Allele origin: germline. Not counted in ClinVar's aggregate classification.
Comment: This variant is classified as likely benign based on ACMG/AMP sequence variant interpretation guidelines (Richards et al. 2015 PMID: 25741868, with internal and published modifications).